The following is an entry in ClinVar:

ClinVar aggregate classification (germline): Likely benign (0 of 4 stars; one submission).

Conditions:
MITF-related disorder. Also called: MITF-related condition.

Allele frequency attached by ClinVar (database versions not stated): 1000 Genomes Project 30x 0.00016; 1000 Genomes Project 0.00020.
gnomAD v4.1: 9 of 1,614,204 alleles (0.00056%); highest among the groups gnomAD compares: East Asian, 0.0067%; no homozygotes.

Submission:

PreventionGenetics, part of Exact Sciences
Classification: Likely benign for MITF-related condition. Last evaluated: 2022-06-02. Review status: no assertion criteria provided. Collection method: clinical testing. Allele origin: germline.
Comment: This variant is classified as likely benign based on ACMG/AMP sequence variant interpretation guidelines (Richards et al. 2015 PMID: 25741868, with internal and published modifications).

NM_001354604.2(MITF):c.141G>A (p.Pro47=)

Gene: MITF (melanocyte inducing transcription factor; plus strand). Cytogenetic location: 3p13.
Variant type: single nucleotide variant.
Coding change: c.141G>A on transcript NM_001354604.2 (MANE Select); coding-DNA position 141, G replaced by A.
Protein change: p.Pro47=; no amino-acid change (proline 47 retained).
Molecular consequence: synonymous variant. On other transcripts: 5 prime UTR variant (2).
Genome position (GRCh38, 1-based): chr3:69,879,170, G>A. VCF-style: chr3-69879170-G-A. GRCh37 (hg19) VCF-style: chr3-69928321-G-A.
Other names: c.-16G>A (NM_001184967.2, NM_001354608.2); c.138G>A, p.Pro46= (NM_001354605.2, NM_001354606.2, NM_006722.3); c.90G>A, p.Pro30= (NM_001354607.2); c.141G>A, p.Pro47= (NM_198159.3); c.93G>A, p.Pro31= (NM_198177.3).
Identifiers: ClinVar variation 3051214 (VCV003051214.2), dbSNP rs199697494, ClinGen allele CA2490255.
Genomic context (GRCh38, chr3:69,879,170, plus strand): 5'-GTATGCATTTTGGTTTTCCCACAGCAGTTCCGCCGAGCATCCTGGGGCCTCCAAGCCTCC[G>A]ATAAGCTCCTCCAGTATGACATCACGCATCTTGCTACGCCAGCAACTCATGCGTGAGCAG-3'
Protein context (NP_001341533.1, residues 37-57): SAEHPGASKP[Pro47=]ISSSSMTSRI